The following is an entry in ClinVar:

NM_000214.3(JAG1):c.3196_3200del (p.Thr1066fs)

Gene: JAG1 (jagged canonical Notch ligand 1; minus strand). Cytogenetic location: 20p12.2.
Variant type: Microsatellite.
Coding change: c.3196_3200del on transcript NM_000214.3 (MANE Select); coding-DNA positions 3196 to 3200, 5 bases deleted (AACAG; older notation c.3196_3200delAACAG).
Protein change: p.Thr1066fs; shifts the reading frame from threonine 1066.
Molecular consequence: frameshift variant.
Genome position (GRCh38, 1-based): chr20:10,640,783-10,640,787, CTGTT deleted on the plus strand (AACAG on the coding strand, the reverse complement: JAG1 is on the minus strand); deleting any 5 consecutive bases within chr20:10,640,783-10,640,794 gives the same sequence; the c. name uses the placement nearest the transcript's 3' end. VCF-style (leftmost placement, unchanged base first): chr20-10640782-CCTGTT-C. GRCh37 (hg19) VCF-style: chr20-10621430-CCTGTT-C.
Other names: c.3195_3199del (NM_000214.3); short protein forms T1066fs.
Identifiers: ClinVar variation 946787 (VCV000946787.10), dbSNP rs2067265104, ClinGen allele CA1139666661.

ClinVar aggregate classification (germline): Pathogenic/Likely pathogenic. Review status: criteria provided, multiple submitters, no conflicts (2 of 4 stars). 2 submissions from 2 submitters: Pathogenic (1); Likely pathogenic (1). Last evaluated 2024-11-04.

Conditions:
Alagille syndrome due to a JAG1 point mutation. Also called: HEPATIC DUCTULAR HYPOPLASIA, SYNDROMATIC; Alagille Syndrome 1; JAG1-Related Alagille Syndrome. Identifiers: Orphanet 261619, Orphanet 52, MedGen C1956125, MONDO:0016862, OMIM 118450.

Submissions (2):

Division of Genetic & Genomic Pathology, Hong Kong Children's Hospital
Classification: Likely pathogenic for Alagille syndrome due to a JAG1 point mutation. Last evaluated: 2024-11-04. Review status: criteria provided, single submitter. Criteria: ACMG Guidelines, 2015. Collection method: clinical testing. Allele origin: de novo. Affected: yes.
Comment: JAG1 c.3195_3199del is a 5-nucleotide deletion located in exon 25 (out of 26 exons). Targeted parental testing did not detect the JAG1 variant in both parents and therefore the variant is assumed to be de novo. The variant is predicted to lead to either frameshift and termination codon following 40 incorrect amino acids from residue 1066, or aberrant splicing (SpliceAI score of 1.0 for donor gain and donor loss). It is not expected to lead to nonsense-mediated decay but may result in removal of >10% of the normal protein. The variant is absent from the control populations (gnomAD v2.1.1 and v4.1.0). It has not been reported in Human Gene Mutation Database (HGMD, v2024.3) or ClinVar. There are at least two patients with phenotypes consistent with Alagille syndrome carrying truncating variants downstream of the 1066th amino acid residue (PMID: 26076142 and 34958143). For these reasons, this variant is classified as likely pathogenic.

Labcorp Genetics (formerly Invitae), Labcorp
Classification: Pathogenic for Alagille syndrome due to a JAG1 point mutation. Last evaluated: 2019-05-04. Review status: criteria provided, single submitter. Criteria: Invitae Variant Classification Sherloc (09022015). Collection method: clinical testing. Allele origin: germline.
Comment: This sequence change results in a premature translational stop signal in the JAG1 gene (p.Thr1066Phefs*41). While this is not anticipated to result in nonsense mediated decay, it is expected to disrupt the last 153 amino acids of the JAG1 protein. This variant is not present in population databases (ExAC no frequency). This variant has not been reported in the literature in individuals with JAG1-related conditions. This variant disrupts the C-terminus of the JAG1 protein. Other variant(s) that disrupt this region (p.Ile1082*) have been determined to be pathogenic (PMID: 26076142). This suggests that variants that disrupt this region of the protein are likely to be causative of disease. For these reasons, this variant has been classified as Pathogenic. This variant results in the deletion of the entire transmembrane domain of the JAG1 protein and should render it unable to attach to the cytoplasmic membrane (PMID: 26548814).

Literature cited by the submitters: PubMed 26076142 (cited by Division of Genetic & Genomic Pathology, Hong Kong Children's Hospital and Labcorp Genetics (formerly Invitae), Labcorp); PubMed 34958143 (cited by Division of Genetic & Genomic Pathology, Hong Kong Children's Hospital); PubMed 26548814 (cited by Labcorp Genetics (formerly Invitae), Labcorp).